The following is an entry in ClinVar:

NM_001128178.3(NPHP1):c.1592A>G (p.Gln531Arg)

Gene: NPHP1 (nephrocystin 1; minus strand). Cytogenetic location: 2q13.
Variant type: single nucleotide variant.
Coding change: c.1592A>G on transcript NM_001128178.3 (MANE Select); coding-DNA position 1592, A replaced by G.
Protein change: p.Gln531Arg; replaces glutamine 531 with arginine.
Molecular consequence: missense variant.
Genome position (GRCh38, 1-based): chr2:110,131,729, T>C on the plus strand (A>G on the coding strand, the complement: NPHP1 is on the minus strand). VCF-style: chr2-110131729-T-C. GRCh37 (hg19) VCF-style: chr2-110889306-T-C.
Other names: c.1760A>G, p.Gln587Arg (NM_000272.5); c.1403A>G, p.Gln468Arg (NM_001128179.3); c.1589A>G, p.Gln530Arg (NM_001374256.1); c.1592A>G, p.Gln531Arg (NM_001374257.1); c.1757A>G, p.Gln586Arg (NM_207181.4); short protein forms Q468R, Q530R, Q531R, Q586R, Q587R.
Identifiers: ClinVar variation 1704854 (VCV001704854.2), dbSNP rs2467168573, ClinGen allele CA348087049.

ClinVar aggregate classification (germline): Uncertain significance (1 of 4 stars; one submission).

Allele frequency attached by ClinVar (database versions not stated): gnomAD exomes below 0.00001.
gnomAD v4.1: 1 of 1,613,604 alleles (0.000062%); highest among the groups gnomAD compares: South Asian, 0.0011%; no homozygotes.

Submission:

GeneDx
Classification: Uncertain significance. Last evaluated: 2022-03-07. Review status: criteria provided, single submitter. Criteria: GeneDx Variant Classification Process June 2021. Collection method: clinical testing. Allele origin: germline. Affected: yes.
Comment: Not observed at significant frequency in large population cohorts (gnomAD); In silico analysis supports that this missense variant does not alter protein structure/function; Has not been previously published as pathogenic or benign to our knowledge